The following is an entry in ClinVar:

NM_001323289.2(CDKL5):c.967T>C (p.Leu323=)

Gene: CDKL5 (cyclin dependent kinase like 5; plus strand). Cytogenetic location: Xp22.13.
Variant type: single nucleotide variant.
Coding change: c.967T>C on transcript NM_001323289.2 (MANE Select); coding-DNA position 967, T replaced by C.
Protein change: p.Leu323=; no amino-acid change (leucine 323 retained).
Molecular consequence: synonymous variant.
Genome position (GRCh38, 1-based): chrX:18,598,603, T>C. VCF-style: chrX-18598603-T-C. GRCh37 (hg19) VCF-style: chrX-18616723-T-C.
Other names: c.967T>C, p.Leu323= (NM_001037343.2, NM_003159.3).
Identifiers: ClinVar variation 382332 (VCV000382332.3), dbSNP rs527360143, ClinGen allele CA10360316.

ClinVar aggregate classification (germline): Benign/Likely benign. Review status: criteria provided, multiple submitters, no conflicts (2 of 4 stars). 2 submissions from 2 submitters: Benign (1); Likely benign (1). Last evaluated 2024-06-09.

Conditions:
Developmental and epileptic encephalopathy, 2 (DEE2). Also called: INFANTILE SPASM SYNDROME, X-LINKED 2; CDKL5 deficiency disorder. Identifiers: Orphanet 1934, Orphanet 3451, Orphanet 505652, MedGen C4750718, MONDO:0010396, OMIM 300672.
Angelman syndrome-like. Identifiers: MedGen CN128785.

Allele frequency attached by ClinVar (database versions not stated): gnomAD exomes 0.00002 and below 0.00001; TOPMed 0.00002; 1000 Genomes Project 30x 0.00021; 1000 Genomes Project 0.00026; gnomAD 0.00001 and 0.00002; ExAC 0.00002.

Submissions (2):

Labcorp Genetics (formerly Invitae), Labcorp
Classification: Benign for Developmental and epileptic encephalopathy, 2; Angelman syndrome-like. Last evaluated: 2024-06-09. Review status: criteria provided, single submitter. Criteria: Invitae Variant Classification Sherloc (09022015). Collection method: clinical testing. Allele origin: germline.

GeneDx
Classification: Likely benign. Last evaluated: 2015-12-17. Review status: criteria provided, single submitter. Criteria: GeneDx Variant Classification (06012015). Collection method: clinical testing. Allele origin: germline. Affected: yes.
Comment: This variant is considered likely benign or benign based on one or more of the following criteria: it is a conservative change, it occurs at a poorly conserved position in the protein, it is predicted to be benign by multiple in silico algorithms, and/or has population frequency not consistent with disease.